The following is an entry in ClinVar:

NM_001558.4(IL10RA):c.181C>G (p.Leu61Val)

Gene: IL10RA (interleukin 10 receptor subunit alpha; plus strand). Cytogenetic location: 11q23.3.
Variant type: single nucleotide variant.
Coding change: c.181C>G on transcript NM_001558.4 (MANE Select); coding-DNA position 181, C replaced by G.
Protein change: p.Leu61Val; replaces leucine 61 with valine.
Molecular consequence: missense variant. On other transcripts: non-coding transcript variant (1).
Genome position (GRCh38, 1-based): chr11:117,988,495, C>G. VCF-style: chr11-117988495-C-G. GRCh37 (hg19) VCF-style: chr11-117859210-C-G.
Other names: short protein forms L61V.
Identifiers: ClinVar variation 302539 (VCV000302539.17), dbSNP rs4252250, ClinGen allele CA6298850.
Genomic context (GRCh38, chr11:117,988,495, plus strand): 5'-CACATCCTCCACTGGACACCCATCCCAAATCAGTCTGAAAGTACCTGCTATGAAGTGGCG[C>G]TCCTGAGGTGAGGAAAAGGGAAGAGGGAGGGGGAGGGAGGAGTGAATCCCCGCCTTGTCC-3'
Protein context (NP_001549.2, residues 51-71): QSESTCYEVA[Leu61Val]LRYGIESWNS

ClinVar aggregate classification (germline): Benign/Likely benign. Review status: criteria provided, multiple submitters, no conflicts (2 of 4 stars). 4 submissions from 4 submitters: Benign (2); Likely benign (2). Last evaluated 2026-02-02.

Conditions:
Inflammatory bowel disease 28. Also called: Inflammatory bowel disease 28, early onset, autosomal recessive. Identifiers: Orphanet 238569, MedGen C2751053, MONDO:0013153, OMIM 613148.

Allele frequency attached by ClinVar (database versions not stated): gnomAD exomes 0.00120 and 0.00337; ExAC 0.00395; 1000 Genomes Project 0.01198; gnomAD 0.01275 and 0.01376; 1000 Genomes Project 30x 0.01359; ESP Exome Variant Server 0.01401; TOPMed 0.01509.

Submissions (4):

Labcorp Genetics (formerly Invitae), Labcorp
Classification: Benign for Inflammatory bowel disease 28. Last evaluated: 2026-02-02. Review status: criteria provided, single submitter. Criteria: Invitae Variant Classification Sherloc (09022015). Collection method: clinical testing. Allele origin: germline.

Mayo Clinic Laboratories, Mayo Clinic
Classification: Benign. Last evaluated: 2020-10-01. Review status: criteria provided, single submitter. Criteria: ACMG Guidelines, 2015. Collection method: clinical testing. Allele origin: germline. Observed: 6 variant alleles.

Illumina Laboratory Services, Illumina
Classification: Likely benign for Inflammatory bowel disease 28. Last evaluated: 2017-04-27. Review status: criteria provided, single submitter. Criteria: ICSL Variant Classification Criteria 13 December 2019. Collection method: clinical testing. Allele origin: germline.
Comment: This variant was observed as part of a predisposition screen in an ostensibly healthy population. A literature search was performed for the gene, cDNA change, and amino acid change (where applicable). No publications were found based on this search. Allele frequency data from public databases allowed determination this variant is unlikely to cause disease. Therefore, this variant is classified as likely benign.

Breakthrough Genomics
Classification: Likely benign. Review status: criteria provided, single submitter. Criteria: ACMG Guidelines, 2015. Collection method: not provided. Allele origin: germline. Inheritance: Autosomal recessive inheritance. Affected: yes.